The following is an entry in ClinVar:

ClinVar aggregate classification (germline): Likely benign. Review status: criteria provided, multiple submitters, no conflicts (2 of 4 stars). 3 submissions from 3 submitters: Likely benign (2). 1 of the submissions does not count toward it. Last evaluated 2026-01-05.

Conditions:
TRPS1-related disorder. Also called: TRPS1-related condition.
Trichorhinophalangeal syndrome, type III (TRPS3). Also called: SUGIO-KAJII SYNDROME. Identifiers: Orphanet 77258, MedGen C1860823, OMIM 190351, MONDO:0008597.
Trichorhinophalangeal dysplasia type I (TRPS1). Also called: TRPS I; TRICHORHINOPHALANGEAL SYNDROME, TYPE I. Identifiers: Orphanet 77258, MedGen C0432233, MONDO:0008596, OMIM 190350.

Allele frequency attached by ClinVar (database versions not stated): gnomAD exomes 0.00017 and 0.00053; ESP Exome Variant Server 0.00049; ExAC 0.00059; gnomAD 0.00109 and 0.00117; 1000 Genomes Project 0.00120; TOPMed 0.00135; 1000 Genomes Project 30x 0.00156.

Submissions (3):

Labcorp Genetics (formerly Invitae), Labcorp
Classification: Likely benign for Trichorhinophalangeal syndrome, type III; Trichorhinophalangeal dysplasia type I. Last evaluated: 2026-01-05. Review status: criteria provided, single submitter. Criteria: Invitae Variant Classification Sherloc (09022015). Collection method: clinical testing. Allele origin: germline.

Blueprint Genetics
Classification: Likely benign. Last evaluated: 2024-09-15. Review status: criteria provided, single submitter. Criteria: ACMG Guidelines, 2015. Collection method: clinical testing. Allele origin: germline.

PreventionGenetics, part of Exact Sciences
Classification: Likely benign for TRPS1-related condition. Last evaluated: 2019-12-09. Review status: no assertion criteria provided. Collection method: clinical testing. Allele origin: germline. Not counted in ClinVar's aggregate classification.
Comment: This variant is classified as likely benign based on ACMG/AMP sequence variant interpretation guidelines (Richards et al. 2015 PMID: 25741868, with internal and published modifications).

NM_014112.5(TRPS1):c.355A>T (p.Thr119Ser)

Gene: TRPS1 (transcriptional repressor GATA binding 1; minus strand). Cytogenetic location: 8q23.3.
Variant type: single nucleotide variant.
Coding change: c.355A>T on transcript NM_014112.5 (MANE Select); coding-DNA position 355, A replaced by T.
Protein change: p.Thr119Ser; replaces threonine 119 with serine.
Molecular consequence: missense variant.
Genome position (GRCh38, 1-based): chr8:115,619,743, T>A on the plus strand (A>T on the coding strand, the complement: TRPS1 is on the minus strand). VCF-style: chr8-115619743-T-A. GRCh37 (hg19) VCF-style: chr8-116631970-T-A.
Other names: c.328A>T, p.Thr110Ser (NM_001282902.3); c.334A>T, p.Thr112Ser (NM_001282903.3); c.316A>T, p.Thr106Ser (NM_001330599.2); short protein forms T110S, T106S, T112S, T119S.
Identifiers: ClinVar variation 772573 (VCV000772573.13), dbSNP rs201373462, ClinGen allele CA4852017.